The following is an entry in ClinVar:

NM_001903.5(CTNNA1):c.1863C>T (p.Gly621=)

Gene: CTNNA1 (catenin alpha 1; plus strand). Cytogenetic location: 5q31.2.
Variant type: single nucleotide variant.
Coding change: c.1863C>T on transcript NM_001903.5 (MANE Select); coding-DNA position 1863, C replaced by T.
Protein change: p.Gly621=; no amino-acid change (glycine 621 retained).
Molecular consequence: synonymous variant.
Genome position (GRCh38, 1-based): chr5:138,925,371, C>T. VCF-style: chr5-138925371-C-T. GRCh37 (hg19) VCF-style: chr5-138261060-C-T.
Other names: c.1863C>T, p.Gly621= (NM_001290307.3, NM_001323982.2, NM_001323983.1 and 2 more transcripts); c.1554C>T, p.Gly518= (NM_001290309.3); c.1494C>T, p.Gly498= (NM_001290310.3); c.753C>T, p.Gly251= (NM_001290312.1, NM_001323987.1, NM_001323988.1 and 17 more transcripts); c.1770C>T, p.Gly590= (NM_001323986.2); c.414C>T, p.Gly138= (NM_001324006.1, NM_001324007.1, NM_001324008.1 and 2 more transcripts); c.660C>T, p.Gly220= (NM_001324011.1); c.510C>T, p.Gly170= (NM_001324012.1, NM_001324013.1).
Identifiers: ClinVar variation 3773479 (VCV003773479.1).

ClinVar aggregate classification (germline): Benign (1 of 4 stars; one submission).

Conditions:
Hereditary diffuse gastric adenocarcinoma (HDGC). Also called: DIFFUSE GASTRIC AND LOBULAR BREAST CANCER SYNDROME. Identifiers: Orphanet 26106, MedGen C1708349, MONDO:0007648, OMIM 137215.

Submission:

Myriad Genetics, Inc.
Classification: Benign for Hereditary diffuse gastric adenocarcinoma. Last evaluated: 2024-10-14. Review status: criteria provided, single submitter. Criteria: Myriad Autosomal Dominant, Autosomal Recessive and X-Linked Classification Criteria (2023). Collection method: clinical testing. Allele origin: unknown.
Comment: This variant is considered benign. This variant is a silent/synonymous amino acid change and it is not expected to impact splicing.